The following is an entry in ClinVar:

NM_000038.6(APC):c.8013T>C (p.Ser2671=)

Gene: APC (APC regulator of Wnt signaling pathway; plus strand). Cytogenetic location: 5q22.2.
Variant type: single nucleotide variant.
Coding change: c.8013T>C on transcript NM_000038.6 (MANE Select); coding-DNA position 8013, T replaced by C.
Protein change: p.Ser2671=; no amino-acid change (serine 2671 retained).
Molecular consequence: synonymous variant.
Genome position (GRCh38, 1-based): chr5:112,843,607, T>C. VCF-style: chr5-112843607-T-C. GRCh37 (hg19) VCF-style: chr5-112179304-T-C.
Other names: c.7740T>C, p.Ser2580= (NM_001354902.2); c.7533T>C, p.Ser2511= (NM_001354905.2); c.7164T>C, p.Ser2388= (NM_001354906.2); c.7635T>C, p.Ser2545= (NM_001354904.2); c.7710T>C, p.Ser2570= (NM_001354903.2); c.8013T>C, p.Ser2671= (NM_001127510.3, NM_001354895.2); c.7959T>C, p.Ser2653= (NM_001127511.3); c.8067T>C, p.Ser2689= (NM_001354896.2); and 5 more.
Identifiers: ClinVar variation 482301 (VCV000482301.15), dbSNP rs1294217069, ClinGen allele CA446211014.

ClinVar aggregate classification (germline): Benign/Likely benign. Review status: criteria provided, multiple submitters, no conflicts (2 of 4 stars). 3 submissions from 3 submitters: Benign (1); Likely benign (2). Last evaluated 2024-04-11.

Conditions:
Hereditary cancer-predisposing syndrome. Also called: Neoplastic Syndromes, Hereditary; Tumor predisposition; Hereditary Cancer Syndrome; Hereditary neoplastic syndrome. Identifiers: Orphanet 140162, MedGen C0027672, MeSH D009386, MONDO:0015356.
Familial adenomatous polyposis 1 (FAP1). Also called: FAMILIAL ADENOMATOUS POLYPOSIS 1, ATTENUATED; POLYPOSIS, ADENOMATOUS INTESTINAL. Identifiers: MedGen C2713442, MONDO:0021056, OMIM 175100. Disease mechanism: loss of function.

Allele frequency attached by ClinVar (database versions not stated): gnomAD 0.00001.
gnomAD v4.1: 1 of 1,613,908 alleles (0.000062%); highest among the groups gnomAD compares: African/African-American, 0.0013%; no homozygotes.

Submissions (3):

Myriad Genetics, Inc.
Classification: Benign for Familial adenomatous polyposis 1. Last evaluated: 2024-04-11. Review status: criteria provided, single submitter. Criteria: Myriad Autosomal Dominant, Autosomal Recessive and X-Linked Classification Criteria (2023). Collection method: clinical testing. Allele origin: unknown.
Comment: This variant is considered benign. This variant is a silent/synonymous amino acid change and it is not expected to impact splicing.

Labcorp Genetics (formerly Invitae), Labcorp
Classification: Likely benign for Familial adenomatous polyposis 1. Last evaluated: 2022-09-19. Review status: criteria provided, single submitter. Criteria: Invitae Variant Classification Sherloc (09022015). Collection method: clinical testing. Allele origin: germline.

Ambry Genetics
Classification: Likely benign for Hereditary cancer-predisposing syndrome. Last evaluated: 2016-02-11. Review status: criteria provided, single submitter. Criteria: Ambry Variant Classification Scheme 2023. Collection method: clinical testing. Allele origin: germline.